The following is an entry in ClinVar:

ClinVar aggregate classification (germline): Uncertain significance (1 of 4 stars; one submission).

Conditions:
Inborn genetic diseases. Identifiers: MedGen C0950123, MeSH D030342.

gnomAD v4.1: 2 of 1,614,168 alleles (0.00012%); highest among the groups gnomAD compares: South Asian, 0.0011%; no homozygotes.

Submission:

Ambry Genetics
Classification: Uncertain significance for Inborn genetic diseases. Last evaluated: 2024-11-15. Review status: criteria provided, single submitter. Criteria: Ambry Variant Classification Scheme 2023. Collection method: clinical testing. Allele origin: germline.
Comment: The p.K512E variant (also known as c.1534A>G), located in coding exon 11 of the EPAS1 gene, results from an A to G substitution at nucleotide position 1534. The lysine at codon 512 is replaced by glutamic acid, an amino acid with similar properties. This amino acid position is conserved. In addition, this alteration is predicted to be tolerated by in silico analysis. Based on the available evidence, the clinical significance of this variant remains unclear.

NM_001430.5(EPAS1):c.1534A>G (p.Lys512Glu)

Gene: EPAS1 (endothelial PAS domain protein 1; plus strand). Cytogenetic location: 2p21.
Variant type: single nucleotide variant.
Coding change: c.1534A>G on transcript NM_001430.5 (MANE Select); coding-DNA position 1534, A replaced by G.
Protein change: p.Lys512Glu; replaces lysine 512 with glutamic acid.
Molecular consequence: missense variant.
Genome position (GRCh38, 1-based): chr2:46,378,747, A>G. VCF-style: chr2-46378747-A-G. GRCh37 (hg19) VCF-style: chr2-46605886-A-G.
Other names: short protein forms K512E.
Identifiers: ClinVar variation 3509022 (VCV003509022.1).